The following is an entry in ClinVar:

NM_030624.3(KLHL15):c.619C>A (p.His207Asn)

Genes: KLHL15 (kelch like family member 15; minus strand), LOC114022706 (Sharpr-MPRA regulatory region 13558; plus strand). Cytogenetic location: Xp22.11.
Variant type: single nucleotide variant.
Coding change: c.619C>A on transcript NM_030624.3 (MANE Select); coding-DNA position 619, C replaced by A.
Protein change: p.His207Asn; replaces histidine 207 with asparagine.
Molecular consequence: missense variant.
Genome position (GRCh38, 1-based): chrX:24,006,075, G>T on the plus strand (C>A on the coding strand, the complement: KLHL15 is on the minus strand). VCF-style: chrX-24006075-G-T. GRCh37 (hg19) VCF-style: chrX-24024192-G-T.
Other names: short protein forms H207N.
Identifiers: ClinVar variation 4874400 (VCV004874400.3).

ClinVar aggregate classification (germline): Uncertain significance. Review status: criteria provided, multiple submitters, no conflicts (2 of 4 stars). 2 submissions from 2 submitters: Uncertain significance (2). Last evaluated 2026-05-01.

gnomAD v4.1: 1 of 1,211,302 alleles (0.000083%); highest among the groups gnomAD compares: Non-Finnish European, 0.00011%; no homozygotes.

Submissions (2):

CeGaT Center for Human Genetics Tuebingen
Classification: Uncertain significance. Last evaluated: 2026-05-01. Review status: criteria provided, single submitter. Criteria: CeGaT Center For Human Genetics Tuebingen Variant Classification Criteria Version 2. Collection method: clinical testing. Allele origin: germline. Affected: yes. Observed: 1 variant allele.
Comment: KLHL15: PM2

Blueprint Genetics
Classification: Uncertain significance. Last evaluated: 2023-12-13. Review status: criteria provided, single submitter. Criteria: ACMG Guidelines, 2015. Collection method: clinical testing. Allele origin: germline.